The following is an entry in ClinVar:

ClinVar aggregate classification (germline): Uncertain significance (1 of 4 stars; one submission).

Conditions:
CHARGE syndrome (CHARGE). Also called: Hittner Hirsch Kreh syndrome; CHARGE ASSOCIATION--COLOBOMA, HEART ANOMALY, CHOANAL ATRESIA, RETARDATION, GENITAL AND EAR ANOMALIES; Coloboma, heart anomaly, choanal atresia, retardation, genital and ear anomalies; CHARGE association; Hall-Hittner syndrome. Identifiers: Orphanet 138, MedGen C0265354, MONDO:0008965.

gnomAD v4.1: 3 of 1,611,982 alleles (0.00019%); highest among the groups gnomAD compares: Non-Finnish European, 0.00025%; no homozygotes.

Submission:

Labcorp Genetics (formerly Invitae), Labcorp
Classification: Uncertain significance for CHARGE syndrome. Last evaluated: 2025-11-09. Review status: criteria provided, single submitter. Criteria: Invitae Variant Classification Sherloc (09022015). Collection method: clinical testing. Allele origin: germline.
Comment: This sequence change replaces proline, which is neutral and non-polar, with serine, which is neutral and polar, at codon 379 of the SEMA3E protein (p.Pro379Ser). This variant is not present in population databases (gnomAD no frequency). This variant has not been reported in the literature in individuals affected with SEMA3E-related conditions. Invitae Evidence Modeling of protein sequence and biophysical properties (such as structural, functional, and spatial information, amino acid conservation, physicochemical variation, residue mobility, and thermodynamic stability) indicates that this missense variant is expected to disrupt SEMA3E protein function with a positive predictive value of 80%. Algorithms developed to predict the effect of sequence changes on RNA splicing suggest that this variant may create or strengthen a splice site. In summary, the available evidence is currently insufficient to determine the role of this variant in disease. Therefore, it has been classified as a Variant of Uncertain Significance.

NM_012431.3(SEMA3E):c.1135C>T (p.Pro379Ser)

Gene: SEMA3E (semaphorin 3E; minus strand). Cytogenetic location: 7q21.11.
Variant type: single nucleotide variant.
Coding change: c.1135C>T on transcript NM_012431.3 (MANE Select); coding-DNA position 1135, C replaced by T.
Protein change: p.Pro379Ser; replaces proline 379 with serine.
Molecular consequence: missense variant.
Genome position (GRCh38, 1-based): chr7:83,402,640, G>A on the plus strand (C>T on the coding strand, the complement: SEMA3E is on the minus strand). VCF-style: chr7-83402640-G-A. GRCh37 (hg19) VCF-style: chr7-83031956-G-A.
Other names: c.955C>T, p.Pro319Ser (NM_001178129.2); short protein forms P319S, P379S.
Identifiers: ClinVar variation 4807292 (VCV004807292.1).